The following is an entry in ClinVar:

ClinVar aggregate classification (germline): Conflicting classifications of pathogenicity. Review status: criteria provided, conflicting classifications (1 of 4 stars). 11 submissions from 11 submitters: Uncertain significance (3); Benign (2); Likely benign (4). 2 of the submissions do not count toward it. Last evaluated 2026-03-27.

Conditions:
TTN-related disorder. Also called: TTN-related condition; TTN-related disease; TTN-related disorders.
Cardiovascular phenotype. Identifiers: MedGen CN230736.
Autosomal recessive limb-girdle muscular dystrophy type 2J (LGMDR10). Also called: Limb-girdle muscular dystrophy, type 2J; MUSCULAR DYSTROPHY, LIMB-GIRDLE, AUTOSOMAL RECESSIVE 10. Identifiers: Orphanet 140922, MedGen C1837342, MONDO:0012127, OMIM 608807.
Dilated cardiomyopathy 1G (CMD1G). Identifiers: Orphanet 154, MedGen C1858763, MONDO:0011400, OMIM 604145.
Cardiomyopathy (CMYO). Also called: Cardiomyopathies. Identifiers: Orphanet 167848, MedGen C0878544, MONDO:0004994, HP:0001638. Inheritance: Various modes of inheritance.

Allele frequency attached by ClinVar (database versions not stated): gnomAD below 0.00001 and 0.00005; TOPMed 0.00001; gnomAD exomes 0.00013 and 0.00029; ExAC 0.00035; 1000 Genomes Project 30x 0.00062; 1000 Genomes Project 0.00080.
gnomAD v4.1: 194 of 1,613,792 alleles (0.012%); highest among the groups gnomAD compares: South Asian, 0.2%; no homozygotes.

Submissions (11):

Molecular Diagnostic Laboratory for Inherited Cardiovascular Disease, Montreal Heart Institute
Classification: Likely benign. Last evaluated: 2026-03-27. Review status: criteria provided, single submitter. Criteria: ACMG Guidelines, 2015. Collection method: clinical testing. Allele origin: germline. Affected: no.
Comment: BS1;BP1

Labcorp Genetics (formerly Invitae), Labcorp
Classification: Likely benign for Dilated cardiomyopathy 1G; Autosomal recessive limb-girdle muscular dystrophy type 2J. Last evaluated: 2025-12-14. Review status: criteria provided, single submitter. Criteria: Invitae Variant Classification Sherloc (09022015). Collection method: clinical testing. Allele origin: germline.

PreventionGenetics, part of Exact Sciences
Classification: Likely benign for TTN-related condition. Last evaluated: 2025-07-31. Review status: criteria provided, single submitter. Criteria: ACMG Guidelines, 2015. Collection method: clinical testing. Allele origin: germline.
Comment: This variant is classified as likely benign based on ACMG/AMP sequence variant interpretation guidelines (Richards et al. 2015 PMID: 25741868, with internal and published modifications).

ARUP Laboratories, Molecular Genetics and Genomics, ARUP Laboratories
Classification: Uncertain significance. Last evaluated: 2024-08-11. Review status: criteria provided, single submitter. Criteria: ARUP Molecular Germline Variant Investigation Process 2024. Collection method: clinical testing. Allele origin: germline.
Comment: The TTN c.4289C>A; p.Ala1430Glu variant is rare in the general population (<0.2% allele frequency in the Genome Aggregation Database) and has not been reported in the medical literature in association with dilated cardiomyopathy (DCM) or other TTN-related disease. The clinical relevance of rare missense variants in this gene, which are identified on average once per individual sequenced in affected populations (Herman 2012), is not well understood. While the clinical significance of such variants is considered uncertain, evidence suggests that the vast majority of missense variants do not contribute to the clinical outcome of DCM (Begay 2015). Given the available evidence, the clinical significance of the p.Ala1430Glu variant cannot be determined with certainty. References: Begay RL et al. Role of Titin Missense Variants in Dilated Cardiomyopathy. J Am Heart Assoc. 2015 Nov 13;4(11). PMID: 26567375. Herman DS et al. Truncations of titin causing dilated cardiomyopathy. N Engl J Med. 2012 Feb 16;366(7):619-28. PMID: 22335739. Linke WA and Hamdani N. Gigantic business: titin properties and function through thick and thin. Circ Res 2014; 114(6): 1052-1068. PMID: 24625729.

CeGaT Center for Human Genetics Tuebingen
Classification: Uncertain significance. Last evaluated: 2024-06-01. Review status: criteria provided, single submitter. Criteria: CeGaT Center For Human Genetics Tuebingen Variant Classification Criteria Version 2. Collection method: clinical testing. Allele origin: germline. Affected: yes. Observed: 1 variant allele.
Comment: TTN: PM2

Revvity Omics, Revvity
Classification: Uncertain significance. Last evaluated: 2022-06-09. Review status: criteria provided, single submitter. Criteria: ACMG Guidelines, 2015. Collection method: clinical testing. Allele origin: germline.

CHEO Genetics Diagnostic Laboratory, Children's Hospital of Eastern Ontario
Classification: Benign for Cardiomyopathy. Last evaluated: 2022-03-18. Review status: criteria provided, single submitter. Criteria: ACMG Guidelines, 2015. Collection method: clinical testing. Allele origin: germline.

Ambry Genetics
Classification: Benign for Cardiovascular phenotype. Last evaluated: 2020-09-18. Review status: criteria provided, single submitter. Criteria: Ambry Variant Classification Scheme 2023. Collection method: clinical testing. Allele origin: germline.

GeneDx
Classification: Likely benign. Last evaluated: 2019-03-04. Review status: criteria provided, single submitter. Criteria: GeneDx Variant Classification Process June 2021. Collection method: clinical testing. Allele origin: germline. Affected: yes.

Clinical Genetics DNA and cytogenetics Diagnostics Lab, Erasmus MC, Erasmus Medical Center
Classification: Uncertain significance. Review status: no assertion criteria provided. Collection method: clinical testing. Allele origin: germline. Affected: yes. Study: VKGL Data-share Consensus. Not counted in ClinVar's aggregate classification.

Diagnostic Laboratory, Department of Genetics, University Medical Center Groningen
Classification: Uncertain significance. Review status: no assertion criteria provided. Collection method: clinical testing. Allele origin: germline. Affected: yes. Study: VKGL Data-share Consensus. Not counted in ClinVar's aggregate classification.

NM_001267550.2(TTN):c.4289C>A (p.Ala1430Glu)

Genes: TTN (titin; minus strand), LOC101927055 (uncharacterized LOC101927055; plus strand). Cytogenetic location: 2q31.2.
Variant type: single nucleotide variant.
Coding change: c.4289C>A on transcript NM_001267550.2 (MANE Select); coding-DNA position 4289, C replaced by A.
Protein change: p.Ala1430Glu; replaces alanine 1430 with glutamic acid.
Molecular consequence: missense variant. On other transcripts: non-coding transcript variant (1).
Genome position (GRCh38, 1-based): chr2:178,777,895, G>T on the plus strand (C>A on the coding strand, the complement: TTN is on the minus strand). VCF-style: chr2-178777895-G-T. GRCh37 (hg19) VCF-style: chr2-179642622-G-T.
Other names: p.A1430E:GCA>GAA; c.4289C>A, p.Ala1430Glu (NM_001256850.1, NM_133378.4, NM_133379.5); c.4151C>A, p.Ala1384Glu (NM_003319.4, NM_133432.3, NM_133437.4); short protein forms A1430E, A1384E.
Identifiers: ClinVar variation 203129 (VCV000203129.42), dbSNP rs577298130, ClinGen allele CA311349.